The following is an entry in ClinVar:

ClinVar aggregate classification (germline): Uncertain significance. Review status: criteria provided, multiple submitters, no conflicts (2 of 4 stars). 2 submissions from 2 submitters: Uncertain significance (2). Last evaluated 2023-02-09.

Allele frequency attached by ClinVar (database versions not stated): TOPMed 0.00005; gnomAD 0.00007; ExAC 0.00008; ESP Exome Variant Server 0.00008.
gnomAD v4.1: 160 of 1,552,874 alleles (0.01%); highest among the groups gnomAD compares: Non-Finnish European, 0.013%; no homozygotes.

Submissions (2):

GeneDx
Classification: Uncertain significance. Last evaluated: 2023-02-09. Review status: criteria provided, single submitter. Criteria: GeneDx Variant Classification Process June 2021. Collection method: clinical testing. Allele origin: germline. Affected: yes.
Comment: Has not been previously published as pathogenic or benign to our knowledge; In silico analysis supports that this missense variant does not alter protein structure/function; In silico analysis suggests this variant may impact gene splicing. In the absence of RNA/functional studies, the actual effect of this sequence change is unknown.

Ambry Genetics
Classification: Uncertain significance. Last evaluated: 2023-01-10. Review status: criteria provided, single submitter. Criteria: Ambry Variant Classification Scheme 2023. Collection method: clinical testing. Allele origin: germline.

NM_138775.3(ALKBH8):c.132C>G (p.Ser44Arg)

Gene: ALKBH8 (alkB homolog 8, tRNA methyltransferase; minus strand). Cytogenetic location: 11q22.3.
Variant type: single nucleotide variant.
Coding change: c.132C>G on transcript NM_138775.3 (MANE Select); coding-DNA position 132, C replaced by G.
Protein change: p.Ser44Arg; replaces serine 44 with arginine.
Molecular consequence: missense variant. On other transcripts: non-coding transcript variant (6).
Genome position (GRCh38, 1-based): chr11:107,557,001, G>C on the plus strand (C>G on the coding strand, the complement: ALKBH8 is on the minus strand). VCF-style: chr11-107557001-G-C. GRCh37 (hg19) VCF-style: chr11-107427727-G-C.
Other names: c.132C>G, p.Ser44Arg (NM_001301010.3, NM_001378133.1); short protein forms S44R.
Identifiers: ClinVar variation 2459456 (VCV002459456.3), dbSNP rs141912843, ClinGen allele CA6261322.
Genomic context (GRCh38, chr11:107,557,001, plus strand): 5'-AACCGGGAGCAGCTGGTTCCGACTCACACCATTACCCAAACCACCATTGGCAACAACCAG[G>C]CTCTTAAAAAACAAACAAACAAACAAAAAGAAAGTAACATGAGCAACTGATACCAACCCA-3'
Protein context (NP_620130.2, residues 34-54): GIETVSYATQ[Ser44Arg]LVVANGGLGN